The following is an entry in ClinVar:

NM_001375524.1(TRRAP):c.6433A>C (p.Met2145Leu)

Gene: TRRAP (transformation/transcription domain associated protein; plus strand). Cytogenetic location: 7q22.1.
Variant type: single nucleotide variant.
Coding change: c.6433A>C on transcript NM_001375524.1 (MANE Select); coding-DNA position 6433, A replaced by C.
Protein change: p.Met2145Leu; replaces methionine 2145 with leucine.
Molecular consequence: missense variant.
Genome position (GRCh38, 1-based): chr7:98,959,434, A>C. VCF-style: chr7-98959434-A-C. GRCh37 (hg19) VCF-style: chr7-98557057-A-C.
Other names: c.6412A>C, p.Met2138Leu (NM_001244580.2); c.6358A>C, p.Met2120Leu (NM_003496.4); short protein forms M2120L, M2138L, M2145L.
Identifiers: ClinVar variation 3768081 (VCV003768081.1).

ClinVar aggregate classification (germline): Uncertain significance (1 of 4 stars; one submission).

gnomAD v4.1: 8 of 1,613,878 alleles (0.0005%); highest among the groups gnomAD compares: South Asian, 0.0077%; no homozygotes.

Submission:

Women's Health and Genetics/Laboratory Corporation of America, LabCorp
Classification: Uncertain significance. Last evaluated: 2024-12-12. Review status: criteria provided, single submitter. Criteria: LabCorp Variant Classification Summary - May 2015. Collection method: clinical testing. Allele origin: germline.
Comment: Variant summary: TRRAP c.6358A>C (p.Met2120Leu) results in a conservative amino acid change located in the Tra1 HEAT repeat ring region (IPR046805) of the encoded protein sequence. Four of five in-silico tools predict a benign effect of the variant on protein function. The variant allele was found at a frequency of 1.6e-05 in 251426 control chromosomes. The available data on variant occurrences in the general population are insufficient to allow any conclusion about variant significance. c.6358A>C has been reported in the literature in one individual affected with Developmental Delay, Mental retardation and Drug-resistant epilepsy, co-ocurring with other VUS changes from other genes (Abolhassani_2024). These report(s) do not provide unequivocal conclusions about association of the variant with Developmental Delay With Or Without Dysmorphic Facies And Autism. To our knowledge, no experimental evidence demonstrating an impact on protein function has been reported. The following publication has been ascertained in the context of this evaluation (PMID: 38374194). No submitters have cited clinical-significance assessments for this variant to ClinVar. Based on the evidence outlined above, the variant was classified as uncertain significance.

Literature cited by the submitters: PubMed 38374194.